The following is an entry in ClinVar:

ClinVar aggregate classification (germline): Uncertain significance (1 of 4 stars; one submission).

Submission:

Labcorp Genetics (formerly Invitae), Labcorp
Classification: Uncertain significance. Last evaluated: 2024-04-12. Review status: criteria provided, single submitter. Criteria: Invitae Variant Classification Sherloc (09022015). Collection method: clinical testing. Allele origin: germline.
Comment: This sequence change replaces valine, which is neutral and non-polar, with alanine, which is neutral and non-polar, at codon 122 of the DTHD1 protein (p.Val122Ala). This variant is not present in population databases (gnomAD no frequency). This variant has not been reported in the literature in individuals affected with DTHD1-related conditions. An algorithm developed to predict the effect of missense changes on protein structure and function (PolyPhen-2) suggests that this variant is likely to be disruptive. In summary, the available evidence is currently insufficient to determine the role of this variant in disease. Therefore, it has been classified as a Variant of Uncertain Significance.

NM_001170700.3(DTHD1):c.1235T>C (p.Val412Ala)

Gene: DTHD1 (death domain containing 1; plus strand). Cytogenetic location: 4p14.
Variant type: single nucleotide variant.
Coding change: c.1235T>C on transcript NM_001170700.3 (MANE Select); coding-DNA position 1235, T replaced by C.
Protein change: p.Val412Ala; replaces valine 412 with alanine.
Molecular consequence: missense variant. On other transcripts: non-coding transcript variant (1), intron variant (1).
Genome position (GRCh38, 1-based): chr4:36,293,542, T>C. VCF-style: chr4-36293542-T-C. GRCh37 (hg19) VCF-style: chr4-36295164-T-C.
Other names: c.365T>C, p.Val122Ala (NM_001136536.5); c.349-47T>C (NM_001378435.1); short protein forms V122A, V412A.
Identifiers: ClinVar variation 3649715 (VCV003649715.2).
Genomic context (GRCh38, chr4:36,293,542, plus strand): 5'-AAATCAGTGCTATAGCTTATTTTAATGTTCTTTATTCTATACAGGGGACCTGTGCTTCAG[T>C]AAAAGTTTACAAATTGGGTATCTTTTCTGTTGTGTCTTGTTTAAAGAAAGAGTCGTTCAC-3'
Protein context (NP_001164171.2, residues 402-422): KGGYKGTCAS[Val412Ala]KVYKLGIFSV